The following is an entry in ClinVar:

ClinVar aggregate classification (germline): Pathogenic/Likely pathogenic. Review status: criteria provided, multiple submitters, no conflicts (2 of 4 stars). 4 submissions from 4 submitters: Pathogenic (2); Likely pathogenic (2). Last evaluated 2026-08-05.

Conditions:
Neurofibromatosis, type 1 (NF1). Also called: Neurofibromatosis, type I; Peripheral type neurofibromatosis; VON RECKLINGHAUSEN DISEASE; NEUROFIBROMATOSIS, TYPE I, SOMATIC. Identifiers: Orphanet 636, MedGen C0027831, MONDO:0018975, OMIM 162200. Disease mechanism: loss of function.
NF1-related disorder. Also called: NF1-related condition. Identifiers: MedGen CN379171.

Submissions (4):

Myriad Genetics, Inc.
Classification: Likely pathogenic for Neurofibromatosis, type 1. Last evaluated: 2026-08-05. Review status: criteria provided, single submitter. Criteria: Myriad Autosomal Dominant, Autosomal Recessive and X-Linked Classification Criteria (2023). Collection method: clinical testing. Allele origin: unknown.
Comment: This variant is considered likely pathogenic. This variant has been reported in multiple individuals with clinical features of gene-specific disease [PMID: 34418705, 31776437, 29673180]. This variant is expected to disrupt protein structure [Myriad internal data].

Labcorp Genetics (formerly Invitae), Labcorp
Classification: Pathogenic for Neurofibromatosis, type 1. Last evaluated: 2025-03-30. Review status: criteria provided, single submitter. Criteria: Invitae Variant Classification Sherloc (09022015). Collection method: clinical testing. Allele origin: germline.
Comment: This variant, c.6687_6689del, results in the deletion of 1 amino acid(s) of the NF1 protein (p.Val2230del), but otherwise preserves the integrity of the reading frame. This variant is not present in population databases (gnomAD no frequency). This variant has been observed in individual(s) with clinical features of neurofibromatosis type 1 (PMID: 29673180, 31776437; internal data). In at least one individual the variant was observed to be de novo. ClinVar contains an entry for this variant (Variation ID: 863727). For these reasons, this variant has been classified as Pathogenic.

Blueprint Genetics
Classification: Pathogenic for NF1-related disorders. Last evaluated: 2024-06-06. Review status: criteria provided, single submitter. Criteria: ACMG Guidelines, 2015. Collection method: clinical testing. Allele origin: germline. Affected: yes. Observed: 1 variant allele.

GeneDx
Classification: Likely pathogenic. Last evaluated: 2024-05-09. Review status: criteria provided, single submitter. Criteria: GeneDx Variant Classification Process June 2021. Collection method: clinical testing. Allele origin: germline. Affected: yes.
Comment: In-frame deletion of 1 amino acid in a non-repeat region; Not observed at significant frequency in large population cohorts (gnomAD); In silico analysis supports a deleterious effect on protein structure/function; This variant is associated with the following publications: (PMID: 31776437, 31766501, 34418705, 29673180)

Literature cited by the submitters: PubMed 34418705 (cited by Myriad Genetics, Inc.); PubMed 31776437 (cited by Myriad Genetics, Inc. and Labcorp Genetics (formerly Invitae), Labcorp); PubMed 29673180 (cited by Myriad Genetics, Inc. and Labcorp Genetics (formerly Invitae), Labcorp).

NM_001042492.3(NF1):c.6747TGT[1] (p.Val2251del)

Gene: NF1 (neurofibromin 1; plus strand). Cytogenetic location: 17q11.2.
Variant type: Microsatellite.
Coding change: c.6747TGT[1] on transcript NM_001042492.3 (MANE Select); one copy of the 3-base unit TGT starting at c.6747; the reference has two copies in a row; one copy, 3 bases deleted.
Protein change: p.Val2251del; deletes valine 2251.
Molecular consequence: inframe deletion. On other transcripts: inframe indel (1).
Genome position (GRCh38, 1-based): chr17:31,338,070-31,338,072, TGT deleted; deleting any 3 consecutive bases within chr17:31,338,066-31,338,072 gives the same sequence; the position shown is the placement nearest the transcript's 3' end. VCF-style (leftmost placement, unchanged base first): chr17-31338065-CTTG-C. GRCh37 (hg19) VCF-style: chr17-29665083-CTTG-C.
Other names: c.6687_6689del (NM_000267.3); c.6684_6686TGT[1], p.Val2230del (NM_000267.4); short protein forms V2230del, V2251del.
Identifiers: ClinVar variation 863727 (VCV000863727.9), dbSNP rs2069725866, ClinGen allele CA645572247.